The following is an entry in ClinVar:

ClinVar aggregate classification (germline): Conflicting classifications of pathogenicity. Review status: criteria provided, conflicting classifications (1 of 4 stars). 7 submissions from 6 submitters: Uncertain significance (4); Likely benign (3). Last evaluated 2025-12-02.

Conditions:
Autosomal dominant nonsyndromic hearing loss 17. Also called: Deafness, autosomal dominant 17; Autosomal dominant nonsyndromic deafness 17. Identifiers: Orphanet 90635, MedGen C1863659, MONDO:0011350, OMIM 603622.
MYH9-related disorder. Identifiers: MedGen C1854520.
Inborn genetic diseases. Identifiers: MedGen C0950123, MeSH D030342.

Allele frequency attached by ClinVar (database versions not stated): ExAC 0.00002; gnomAD 0.00002; TOPMed 0.00002; gnomAD exomes 0.00003.
gnomAD v4.1: 51 of 1,613,878 alleles (0.0032%); highest among the groups gnomAD compares: Admixed American, 0.005%; no homozygotes.

Submissions (7):

Ambry Genetics
Classification: Likely benign for Inborn genetic diseases. Last evaluated: 2025-12-02. Review status: criteria provided, single submitter. Criteria: Ambry Variant Classification Scheme 2023. Collection method: clinical testing. Allele origin: germline.

Labcorp Genetics (formerly Invitae), Labcorp
Classification: Likely benign. Last evaluated: 2025-11-19. Review status: criteria provided, single submitter. Criteria: Invitae Variant Classification Sherloc (09022015). Collection method: clinical testing. Allele origin: germline.

PreventionGenetics, part of Exact Sciences
Classification: Uncertain significance for MYH9-related condition. Last evaluated: 2025-01-17. Review status: criteria provided, single submitter. Criteria: ACMG Guidelines, 2015. Collection method: clinical testing. Allele origin: germline.
Comment: The MYH9 c.4025G>A variant is predicted to result in the amino acid substitution p.Arg1342Gln. To our knowledge, this variant has not been reported in the literature. This variant is reported in 0.0087% of alleles in individuals of Latino descent in gnomAD. At this time, the clinical significance of this variant is uncertain due to the absence of conclusive functional and genetic evidence.

GeneDx
Classification: Uncertain significance. Last evaluated: 2024-02-20. Review status: criteria provided, single submitter. Criteria: GeneDx Variant Classification Process June 2021. Collection method: clinical testing. Allele origin: germline. Affected: yes.
Comment: In silico analysis, which includes protein predictors and evolutionary conservation, supports that this variant does not alter protein structure/function; Has not been previously published as pathogenic or benign to our knowledge

Illumina Laboratory Services, Illumina
Classification: Uncertain significance for Autosomal dominant nonsyndromic hearing loss 17. Last evaluated: 2018-01-13. Review status: criteria provided, single submitter. Criteria: ICSL Variant Classification Criteria 13 December 2019. Collection method: clinical testing. Allele origin: germline.

Illumina Laboratory Services, Illumina
Classification: Likely benign for MYH9-related disorder. Last evaluated: 2018-01-13. Review status: criteria provided, single submitter. Criteria: ICSL Variant Classification Criteria 13 December 2019. Collection method: clinical testing. Allele origin: germline.
Comment: This variant was observed in the ICSL laboratory as part of a predisposition screen in an ostensibly healthy population. It had not been previously curated by ICSL or reported in the Human Gene Mutation Database (HGMD: prior to June 1st, 2018), and was therefore a candidate for classification through an automated scoring system. Utilizing variant allele frequency, disease prevalence and penetrance estimates, and inheritance mode, an automated score was calculated to assess if this variant is too frequent to cause the disease. Based on the score and internal cut-off values, a variant classified as likely benign is not then subjected to further curation. The score for this variant resulted in a classification of likely benign for this disease.

CeGaT Center for Human Genetics Tuebingen
Classification: Uncertain significance. Last evaluated: 2016-12-01. Review status: criteria provided, single submitter. Criteria: CeGaT Center For Human Genetics Tuebingen Variant Classification Criteria Version 2. Collection method: clinical testing. Allele origin: germline. Affected: yes. Observed: 1 variant allele.

NM_002473.6(MYH9):c.4025G>A (p.Arg1342Gln)

Gene: MYH9 (myosin heavy chain 9; minus strand). Cytogenetic location: 22q12.3.
Variant type: single nucleotide variant.
Coding change: c.4025G>A on transcript NM_002473.6 (MANE Select); coding-DNA position 4025, G replaced by A.
Protein change: p.Arg1342Gln; replaces arginine 1342 with glutamine.
Molecular consequence: missense variant.
Genome position (GRCh38, 1-based): chr22:36,293,399, C>T on the plus strand (G>A on the coding strand, the complement: MYH9 is on the minus strand). VCF-style: chr22-36293399-C-T. GRCh37 (hg19) VCF-style: chr22-36689445-C-T.
Other names: c.4025G>A (NM_002473.5); short protein forms R1342Q.
Identifiers: ClinVar variation 341507 (VCV000341507.54), dbSNP rs758159686, ClinGen allele CA10209485.